The following is an entry in ClinVar:

NM_182961.4(SYNE1):c.3873T>G (p.Asp1291Glu)

Gene: SYNE1 (spectrin repeat containing nuclear envelope protein 1; minus strand). Cytogenetic location: 6q25.2.
Variant type: single nucleotide variant.
Coding change: c.3873T>G on transcript NM_182961.4 (MANE Select); coding-DNA position 3873, T replaced by G.
Protein change: p.Asp1291Glu; replaces aspartic acid 1291 with glutamic acid.
Molecular consequence: missense variant.
Genome position (GRCh38, 1-based): chr6:152,442,210, A>C on the plus strand (T>G on the coding strand, the complement: SYNE1 is on the minus strand). VCF-style: chr6-152442210-A-C. GRCh37 (hg19) VCF-style: chr6-152763345-A-C.
Other names: c.3894T>G, p.Asp1298Glu (NM_033071.5); short protein forms D1291E, D1298E.
Identifiers: ClinVar variation 2199258 (VCV002199258.4), dbSNP rs778275142, ClinGen allele CA4058730.

ClinVar aggregate classification (germline): Uncertain significance (1 of 4 stars; one submission).

Conditions:
Emery-Dreifuss muscular dystrophy 4, autosomal dominant (EDMD4). Also called: EMERY-DREIFUSS MUSCULAR DYSTROPHY 4 WITH VARIABLE FEATURES. Identifiers: Orphanet 261, MedGen C2751807, MONDO:0013071, OMIM 612998.
Autosomal recessive ataxia, Beauce type. Also called: Spinocerebellar ataxia, autosomal recessive 8; ATAXIA, RECESSIVE, OF BEAUCE; SYNE1-Related Autosomal Recessive Cerebellar Ataxia; SYNE1 Deficiency. Identifiers: Orphanet 88644, MedGen C1853116, MONDO:0012549, OMIM 610743.

Allele frequency attached by ClinVar (database versions not stated): TOPMed 0.00003.
gnomAD v4.1: 25 of 1,613,526 alleles (0.0015%); highest among the groups gnomAD compares: Non-Finnish European, 0.0019%; no homozygotes.

Submission:

Labcorp Genetics (formerly Invitae), Labcorp
Classification: Uncertain significance for Emery-Dreifuss muscular dystrophy 4, autosomal dominant; Autosomal recessive ataxia, Beauce type. Last evaluated: 2022-07-26. Review status: criteria provided, single submitter. Criteria: Invitae Variant Classification Sherloc (09022015). Collection method: clinical testing. Allele origin: germline.
Comment: In summary, the available evidence is currently insufficient to determine the role of this variant in disease. Therefore, it has been classified as a Variant of Uncertain Significance. Algorithms developed to predict the effect of missense changes on protein structure and function output the following: SIFT: "Tolerated"; PolyPhen-2: "Benign"; Align-GVGD: "Class C0". The glutamic acid amino acid residue is found in multiple mammalian species, which suggests that this missense change does not adversely affect protein function. This variant has not been reported in the literature in individuals affected with SYNE1-related conditions. This variant is present in population databases (rs778275142, gnomAD 0.004%). This sequence change replaces aspartic acid, which is acidic and polar, with glutamic acid, which is acidic and polar, at codon 1298 of the SYNE1 protein (p.Asp1298Glu).